The following is an entry in ClinVar:

NM_014832.5(TBC1D4):c.2114C>T (p.Ala705Val)

Gene: TBC1D4 (TBC1 domain family member 4; minus strand). Cytogenetic location: 13q22.2.
Variant type: single nucleotide variant.
Coding change: c.2114C>T on transcript NM_014832.5 (MANE Select); coding-DNA position 2114, C replaced by T.
Protein change: p.Ala705Val; replaces alanine 705 with valine.
Molecular consequence: missense variant. On other transcripts: intron variant (1).
Genome position (GRCh38, 1-based): chr13:75,324,321, G>A on the plus strand (C>T on the coding strand, the complement: TBC1D4 is on the minus strand). VCF-style: chr13-75324321-G-A. GRCh37 (hg19) VCF-style: chr13-75898457-G-A.
Other names: c.2114C>T, p.Ala705Val (NM_001286658.2); c.2033+1876C>T (NM_001286659.2); short protein forms A705V.
Identifiers: ClinVar variation 4987131 (VCV004987131.1).

ClinVar aggregate classification (germline): Uncertain significance (1 of 4 stars; one submission).

Conditions:
TBC1D4-related disorder. Also called: TBC1D4-related condition.

gnomAD v4.1: 1 of 1,613,968 alleles (0.000062%); no homozygotes.

Submission:

PreventionGenetics, part of Exact Sciences
Classification: Uncertain significance for TBC1D4-related condition. Last evaluated: 2024-10-04. Review status: criteria provided, single submitter. Criteria: ACMG Guidelines, 2015. Collection method: clinical testing. Allele origin: germline.
Comment: The TBC1D4 c.2114C>T variant is predicted to result in the amino acid substitution p.Ala705Val. To our knowledge, this variant has not been reported in the literature or in a large population database (gnomAD), indicating this variant is rare. At this time, the clinical significance of this variant is uncertain due to the absence of conclusive functional and genetic evidence.